The following is an entry in ClinVar:

NM_001378156.1(C1QB):c.723C>T (p.Ser241=)

Gene: C1QB (complement C1q B chain; plus strand). Cytogenetic location: 1p36.12.
Variant type: single nucleotide variant.
Coding change: c.723C>T on transcript NM_001378156.1 (MANE Select); coding-DNA position 723, C replaced by T.
Protein change: p.Ser241=; no amino-acid change (serine 241 retained).
Molecular consequence: synonymous variant.
Genome position (GRCh38, 1-based): chr1:22,661,353, C>T. VCF-style: chr1-22661353-C-T. GRCh37 (hg19) VCF-style: chr1-22987846-C-T.
Other names: p.Ser243=; c.729C>T, p.Ser243= (NM_000491.5); c.723C>T, p.Ser241= (NM_001371184.3).
Identifiers: ClinVar variation 1167933 (VCV001167933.17), dbSNP rs143233049, ClinGen allele CA678218.

ClinVar aggregate classification (germline): Benign/Likely benign. Review status: criteria provided, multiple submitters, no conflicts (2 of 4 stars). 4 submissions from 4 submitters: Benign (1); Likely benign (3). Last evaluated 2026-01-18.

Allele frequency attached by ClinVar (database versions not stated): 1000 Genomes Project 30x 0.00031; gnomAD exomes 0.00031 and 0.00041; 1000 Genomes Project 0.00040; ExAC 0.00045; gnomAD 0.00122 and 0.00135; ESP Exome Variant Server 0.00154; TOPMed 0.00157.
gnomAD v4.1: 649 of 1,613,994 alleles (0.04%); highest among the groups gnomAD compares: African/African-American, 0.37%; 1 homozygote.

Submissions (4):

Labcorp Genetics (formerly Invitae), Labcorp
Classification: Benign. Last evaluated: 2026-01-18. Review status: criteria provided, single submitter. Criteria: Invitae Variant Classification Sherloc (09022015). Collection method: clinical testing. Allele origin: germline.

CeGaT Center for Human Genetics Tuebingen
Classification: Likely benign. Last evaluated: 2025-08-01. Review status: criteria provided, single submitter. Criteria: CeGaT Center For Human Genetics Tuebingen Variant Classification Criteria Version 2. Collection method: clinical testing. Allele origin: germline. Affected: yes. Observed: 1 variant allele.
Comment: C1QB: BP4, BP7

Mayo Clinic Laboratories, Mayo Clinic
Classification: Likely benign. Last evaluated: 2025-03-19. Review status: criteria provided, single submitter. Criteria: ACMG Guidelines, 2015. Collection method: clinical testing. Allele origin: germline. Observed: 1 variant allele.
Comment: BS1, BP4, BP7

Blueprint Genetics
Classification: Likely benign. Last evaluated: 2024-11-13. Review status: criteria provided, single submitter. Criteria: ACMG Guidelines, 2015. Collection method: clinical testing. Allele origin: germline.